The following is an entry in ClinVar:

NM_000081.4(LYST):c.1800A>T (p.Lys600Asn)

Gene: LYST (lysosomal trafficking regulator; minus strand). Cytogenetic location: 1q42.3.
Variant type: single nucleotide variant.
Coding change: c.1800A>T on transcript NM_000081.4 (MANE Select); coding-DNA position 1800, A replaced by T.
Protein change: p.Lys600Asn; replaces lysine 600 with asparagine.
Molecular consequence: missense variant.
Genome position (GRCh38, 1-based): chr1:235,809,018, T>A on the plus strand (A>T on the coding strand, the complement: LYST is on the minus strand). VCF-style: chr1-235809018-T-A. GRCh37 (hg19) VCF-style: chr1-235972318-T-A.
Other names: c.1800A>T, p.Lys600Asn (NM_001301365.1); short protein forms K600N.
Identifiers: ClinVar variation 2078779 (VCV002078779.4), dbSNP rs2527109996, ClinGen allele CA344961615.

ClinVar aggregate classification (germline): Uncertain significance (1 of 4 stars; one submission).

Conditions:
Chédiak-Higashi syndrome (CHS). Also called: Chediak-Higashi Syndrome. Identifiers: Orphanet 167, MedGen C0007965, MONDO:0008963, OMIM 214500.

Submission:

Labcorp Genetics (formerly Invitae), Labcorp
Classification: Uncertain significance for Chédiak-Higashi syndrome. Last evaluated: 2024-10-21. Review status: criteria provided, single submitter. Criteria: Invitae Variant Classification Sherloc (09022015). Collection method: clinical testing. Allele origin: germline.
Comment: This sequence change replaces lysine, which is basic and polar, with asparagine, which is neutral and polar, at codon 600 of the LYST protein (p.Lys600Asn). This variant is not present in population databases (gnomAD no frequency). This variant has not been reported in the literature in individuals affected with LYST-related conditions. ClinVar contains an entry for this variant (Variation ID: 2078779). Invitae Evidence Modeling of protein sequence and biophysical properties (such as structural, functional, and spatial information, amino acid conservation, physicochemical variation, residue mobility, and thermodynamic stability) has been performed for this missense variant. However, the output from this modeling did not meet the statistical confidence thresholds required to predict the impact of this variant on LYST protein function. In summary, the available evidence is currently insufficient to determine the role of this variant in disease. Therefore, it has been classified as a Variant of Uncertain Significance.